The following is an entry in ClinVar:

NM_000179.3(MSH6):c.49C>T (p.Leu17=)

Gene: MSH6 (mutS homolog 6; plus strand). Cytogenetic location: 2p16.3.
Variant type: single nucleotide variant.
Coding change: c.49C>T on transcript NM_000179.3 (MANE Select); coding-DNA position 49, C replaced by T.
Protein change: p.Leu17=; no amino-acid change (leucine 17 retained).
Molecular consequence: synonymous variant. On other transcripts: 5 prime UTR variant (8), non-coding transcript variant (5), intron variant (5).
Genome position (GRCh38, 1-based): chr2:47,783,282, C>T. VCF-style: chr2-47783282-C-T. GRCh37 (hg19) VCF-style: chr2-48010421-C-T.
Other names: c.49C>T, p.Leu17= (NM_001281492.2, NM_001406795.1, NM_001406796.1 and 9 more transcripts); c.-688C>T (NM_001281493.2, NM_001406811.1); c.-280C>T (NM_001406799.1); c.-7C>T (NM_001406804.1); c.-880C>T (NM_001406807.1); c.-535C>T (NM_001406812.1); c.-946C>T (NM_001406814.1); c.-491C>T (NM_001406816.1); and 3 more.
Identifiers: ClinVar variation 2692224 (VCV002692224.5), dbSNP rs2103933185, ClinGen allele CA425986974.

ClinVar aggregate classification (germline): Benign/Likely benign. Review status: criteria provided, multiple submitters, no conflicts (2 of 4 stars). 3 submissions from 3 submitters: Benign (1); Likely benign (2). Last evaluated 2025-03-04.

Conditions:
Hereditary nonpolyposis colorectal neoplasms. Identifiers: MedGen C0009405, MeSH D003123.
Lynch syndrome 5 (LYNCH5). Also called: Colorectal cancer, hereditary nonpolyposis, type 5; Hereditary non-polyposis colorectal cancer, type 5. Identifiers: Orphanet 144, MedGen C1833477, MONDO:0013710, OMIM 614350. Disease mechanism: loss of function.

Submissions (3):

Center for Genomic Medicine, Rigshospitalet, Copenhagen University Hospital
Classification: Likely benign. Last evaluated: 2025-03-04. Review status: criteria provided, single submitter. Criteria: ACMG Guidelines, 2015. Collection method: clinical testing. Allele origin: germline.

Myriad Genetics, Inc.
Classification: Benign for Lynch syndrome 5. Last evaluated: 2024-12-16. Review status: criteria provided, single submitter. Criteria: Myriad Autosomal Dominant, Autosomal Recessive and X-Linked Classification Criteria (2023). Collection method: clinical testing. Allele origin: unknown.
Comment: This variant is considered benign. This variant is a silent/synonymous amino acid change and it is not expected to impact splicing.

Labcorp Genetics (formerly Invitae), Labcorp
Classification: Likely benign for Hereditary nonpolyposis colorectal neoplasms. Last evaluated: 2024-07-25. Review status: criteria provided, single submitter. Criteria: Invitae Variant Classification Sherloc (09022015). Collection method: clinical testing. Allele origin: germline.